The following is an entry in ClinVar:

ClinVar aggregate classification (germline): Uncertain significance (1 of 4 stars; one submission).

Allele frequency attached by ClinVar (database versions not stated): TOPMed 0.00001.
gnomAD v4.1: 8 of 1,593,496 alleles (0.0005%); highest among the groups gnomAD compares: Admixed American, 0.0089%; no homozygotes.

Submission:

Labcorp Genetics (formerly Invitae), Labcorp
Classification: Uncertain significance. Last evaluated: 2022-06-27. Review status: criteria provided, single submitter. Criteria: Invitae Variant Classification Sherloc (09022015). Collection method: clinical testing. Allele origin: germline.
Comment: This sequence change replaces valine, which is neutral and non-polar, with isoleucine, which is neutral and non-polar, at codon 100 of the RXYLT1 protein (p.Val100Ile). This variant is present in population databases (rs759946097, gnomAD 0.01%). This variant has not been reported in the literature in individuals affected with RXYLT1-related conditions. Algorithms developed to predict the effect of missense changes on protein structure and function output the following: SIFT: "Deleterious"; PolyPhen-2: "Benign"; Align-GVGD: "Class C0". The isoleucine amino acid residue is found in multiple mammalian species, which suggests that this missense change does not adversely affect protein function. In summary, the available evidence is currently insufficient to determine the role of this variant in disease. Therefore, it has been classified as a Variant of Uncertain Significance.

NM_014254.3(RXYLT1):c.298G>A (p.Val100Ile)

Gene: RXYLT1 (ribitol xylosyltransferase 1; plus strand). Cytogenetic location: 12q14.2.
Variant type: single nucleotide variant.
Coding change: c.298G>A on transcript NM_014254.3 (MANE Select); coding-DNA position 298, G replaced by A.
Protein change: p.Val100Ile; replaces valine 100 with isoleucine.
Molecular consequence: missense variant. On other transcripts: 5 prime UTR variant (1).
Genome position (GRCh38, 1-based): chr12:63,781,147, G>A. VCF-style: chr12-63781147-G-A. GRCh37 (hg19) VCF-style: chr12-64174927-G-A.
Other names: c.-483G>A (NM_001278237.2); short protein forms V100I.
Identifiers: ClinVar variation 1370548 (VCV001370548.3), dbSNP rs759946097, ClinGen allele CA6666039.
Genomic context (GRCh38, chr12:63,781,147, plus strand): 5'-AGATTTAAAACTAGCCTTCAAATATTAGATAAATCCACGAAAGGAAAAACAGATCTCAGT[G>A]TACAAATCTGGGGCAAAGCTGCCATTGGTAAGTTAATACGTAGAAGGAAGACATGTAAAA-3'
Protein context (NP_055069.1, residues 90-110): KSTKGKTDLS[Val100Ile]QIWGKAAIGL